The following is an entry in ClinVar:

NM_020791.4(TAOK1):c.451G>T (p.Asp151Tyr)

Gene: TAOK1 (TAO kinase 1; plus strand). Cytogenetic location: 17q11.2.
Variant type: single nucleotide variant.
Coding change: c.451G>T on transcript NM_020791.4 (MANE Select); coding-DNA position 451, G replaced by T.
Protein change: p.Asp151Tyr; replaces aspartic acid 151 with tyrosine.
Molecular consequence: missense variant.
Genome position (GRCh38, 1-based): chr17:29,480,369, G>T. VCF-style: chr17-29480369-G-T. GRCh37 (hg19) VCF-style: chr17-27807387-G-T.
Other names: c.451G>T, p.Asp151Tyr (NM_025142.1); short protein forms D151Y.
Identifiers: ClinVar variation 3369777 (VCV003369777.1).

ClinVar aggregate classification (germline): Uncertain significance (1 of 4 stars; one submission).

Submission:

GeneDx
Classification: Uncertain significance. Last evaluated: 2024-02-23. Review status: criteria provided, single submitter. Criteria: GeneDx Variant Classification Process June 2021. Collection method: clinical testing. Allele origin: germline. Affected: yes.
Comment: Not observed at significant frequency in large population cohorts (gnomAD); In silico analysis supports that this missense variant has a deleterious effect on protein structure/function; Has not been previously published as pathogenic or benign to our knowledge